The following is an entry in ClinVar:

NM_000297.4(PKD2):c.709+4dup

Gene: PKD2 (polycystin 2, transient receptor potential cation channel; plus strand). Cytogenetic location: 4q22.1.
Variant type: Duplication.
Coding change: c.709+4dup on transcript NM_000297.4 (MANE Select); 4 bases into the intron after coding-DNA position 709, one base duplicated (A; older notation c.709+4dupA).
Molecular consequence: intron variant.
Genome position (GRCh38, 1-based): chr4:88,019,575, A duplicated; the last of 2 consecutive A bases (chr4:88,019,574-88,019,575); duplicating either gives the same sequence. VCF-style (leftmost placement, unchanged base first): chr4-88019573-T-TA. GRCh37 (hg19) VCF-style: chr4-88940725-T-TA.
Identifiers: ClinVar variation 4075014 (VCV004075014.2).
Genomic context (GRCh38, chr4:88,019,573, plus strand): 5'-TAAAAGTGTTTTACGGGAACTGGTCACATACCTCCTTTTTCTCATAGTCTTGTGCATCTG[T>TA]AAGTAGAATATTTCCTTGCACTAATGGGAAAGTTTTGAAAAGATTTGACCTATCCAAATC-3'

ClinVar aggregate classification (germline): Uncertain significance. Review status: criteria provided, multiple submitters, no conflicts (2 of 4 stars). 2 submissions from 2 submitters: Uncertain significance (2). Last evaluated 2025-07-11.

Conditions:
Renal cyst. Also called: Cystic kidney disease; Renal cysts; cystic kidneys. Identifiers: MedGen C3887499, MONDO:0002473, HP:0000107.
Polycystic kidney disease 2 (PKD2). Also called: Polycystic Kidney Disease 2, Autosomal Dominant; POLYCYSTIC KIDNEY DISEASE, ADULT, TYPE II; POLYCYSTIC KIDNEY DISEASE 2 WITH OR WITHOUT POLYCYSTIC LIVER DISEASE. Identifiers: MedGen C2751306, MONDO:0013131, OMIM 613095.

Submissions (2):

Victorian Clinical Genetics Services, Murdoch Childrens Research Institute
Classification: Uncertain significance for Polycystic kidney disease 2. Last evaluated: 2025-07-11. Review status: criteria provided, single submitter. Criteria: ACMG Guidelines, 2015. Collection method: clinical testing. Allele origin: germline. Affected: yes.
Comment: This variant is classified as VUS-3A. Evidence in support of pathogenic classification: Non-canonical splice site variant without proven consequence on splicing (no functional evidence available); Variant is present in gnomAD <0.001 for a dominant condition (v4: 4 heterozygote(s), 0 homozygote(s)); Abnormal splicing is predicted by in silico tool and affected nucleotide is highly conserved. Additional information: This variant is heterozygous; This gene is associated with autosomal dominant disease; This variant has no previous evidence of pathogenicity; No published segregation evidence has been identified for this variant; No published functional evidence has been identified for this variant; Another splice variant(s) comparable to the one identified in this case has inconclusive previous evidence for pathogenicity. c.709+6T>G has been classified as a VUS by clinical laboratories in ClinVar, and reported in the literature in individuals with ADPKD (PMIDs: 32939031, 33437033). In addition, c.709+5G>C has been reported in the literature in an individual with ADPKD (PMID: 28356211); Loss of function is a known mechanism of disease in this gene and is associated with polycystic kidney disease 2 (MIM#613095); Inheritance information for this variant is not currently available in this individual.

Cambridge Genomics Laboratory, East Genomic Laboratory Hub, NHS Genomic Medicine Service
Classification: Uncertain significance for Renal cyst. Last evaluated: 2019-10-07. Review status: criteria provided, single submitter. Criteria: ACGS Best Practice Guidelines for Variant Classification in Rare Disease 2020. Collection method: clinical testing. Allele origin: germline. Affected: yes. Observed: 1 variant allele.

Literature cited by the submitters: PubMed 33437033 (cited by Victorian Clinical Genetics Services, Murdoch Childrens Research Institute); PubMed 28356211 (cited by Victorian Clinical Genetics Services, Murdoch Childrens Research Institute); PubMed 32939031 (cited by Victorian Clinical Genetics Services, Murdoch Childrens Research Institute).